The following is an entry in ClinVar:

NM_004260.4(RECQL4):c.2193G>T (p.Gly731=)

Gene: RECQL4 (RecQ like helicase 4; minus strand). Cytogenetic location: 8q24.3.
Variant type: single nucleotide variant.
Coding change: c.2193G>T on transcript NM_004260.4 (MANE Select); coding-DNA position 2193, G replaced by T.
Protein change: p.Gly731=; no amino-acid change (glycine 731 retained).
Molecular consequence: synonymous variant. On other transcripts: non-coding transcript variant (2).
Genome position (GRCh38, 1-based): chr8:144,513,578, C>A on the plus strand (G>T on the coding strand, the complement: RECQL4 is on the minus strand). VCF-style: chr8-144513578-C-A. GRCh37 (hg19) VCF-style: chr8-145738962-C-A.
Other names: c.1122G>T, p.Gly374= (NM_001413035.1, NM_001413038.1, NM_001413040.1 and 6 more transcripts); c.2193G>T, p.Gly731= (NM_001413036.1, NM_001413018.1, NM_001413019.1); c.990G>T, p.Gly330= (NM_001413037.1); c.2163G>T, p.Gly721= (NM_001413039.1); c.1056G>T, p.Gly352= (NM_001413041.1, NM_001413027.1, NM_001413030.1 and 1 more transcripts); c.1092G>T, p.Gly364= (NM_001413042.1); c.726G>T, p.Gly242= (NM_001413043.1); c.2097G>T, p.Gly699= (NM_001413017.1, NM_001413020.1); and 4 more.
Identifiers: ClinVar variation 2731283 (VCV002731283.3), dbSNP rs1586804442, ClinGen allele CA463566809.
Genomic context (GRCh38, chr8:144,513,578, plus strand): 5'-CCATGTGTGCCCAAGGTGGGTCCACGGGGACACCAGCTCTGTCCATGCCGCACCTCCAGA[C>A]CCTGGGACCCAGGCTGCGTGCAGGCAGGTTCGGAGGAGCGCAGCGATCCGCTCTGTGTCC-3'
Protein context (NP_004251.4, residues 721-741): RTCLHAAWVP[Gly731=]SGGRAPKTTA

ClinVar aggregate classification (germline): Uncertain significance (1 of 4 stars; one submission).

Conditions:
Baller-Gerold syndrome (BGS). Also called: CRANIOSYNOSTOSIS WITH RADIAL DEFECTS. Identifiers: Orphanet 1225, MedGen C0265308, MONDO:0009039, OMIM 218600.

Submission:

Labcorp Genetics (formerly Invitae), Labcorp
Classification: Uncertain significance for Baller-Gerold syndrome. Last evaluated: 2023-09-27. Review status: criteria provided, single submitter. Criteria: Invitae Variant Classification Sherloc (09022015). Collection method: clinical testing. Allele origin: germline.
Comment: This sequence change affects codon 731 of the RECQL4 mRNA. It is a 'silent' change, meaning that it does not change the encoded amino acid sequence of the RECQL4 protein. This variant is not present in population databases (gnomAD no frequency). This variant has not been reported in the literature in individuals affected with RECQL4-related conditions. Algorithms developed to predict the effect of sequence changes on RNA splicing suggest that this variant may create or strengthen a splice site. In summary, the available evidence is currently insufficient to determine the role of this variant in disease. Therefore, it has been classified as a Variant of Uncertain Significance.